The following is an entry in ClinVar:

ClinVar aggregate classification (germline): Conflicting classifications of pathogenicity. Review status: criteria provided, conflicting classifications (1 of 4 stars). 3 submissions from 3 submitters: Uncertain significance (1); Likely benign (2). Last evaluated 2026-09-01.

Conditions:
Fanconi anemia (FA). Also called: Fanconi's anemia. Identifiers: Orphanet 84, MedGen C0015625, MeSH D005199, MONDO:0019391.
Fanconi anemia complementation group L (FANCL). Also called: FANCL-Related Fanconi Anemia. Identifiers: Orphanet 84, MedGen C3469528, MONDO:0013566, OMIM 614083.

Allele frequency attached by ClinVar (database versions not stated): gnomAD exomes below 0.00001; ExAC 0.00001.
gnomAD v4.1: 6 of 1,612,090 alleles (0.00037%); highest among the groups gnomAD compares: Non-Finnish European, 0.00051%; no homozygotes.

Submissions (3):

CeGaT Center for Human Genetics Tuebingen
Classification: Likely benign. Last evaluated: 2026-09-01. Review status: criteria provided, single submitter. Criteria: CeGaT Center For Human Genetics Tuebingen Variant Classification Criteria Version 2. Collection method: clinical testing. Allele origin: germline. Affected: yes. Observed: 1 variant allele.
Comment: FANCL: BP4, BP7

Labcorp Genetics (formerly Invitae), Labcorp
Classification: Likely benign for Fanconi anemia. Last evaluated: 2022-08-23. Review status: criteria provided, single submitter. Criteria: Invitae Variant Classification Sherloc (09022015). Collection method: clinical testing. Allele origin: germline.

Illumina Laboratory Services, Illumina
Classification: Uncertain significance for Fanconi anemia complementation group L. Last evaluated: 2018-01-13. Review status: criteria provided, single submitter. Criteria: ICSL Variant Classification Criteria 13 December 2019. Collection method: clinical testing. Allele origin: germline.

NM_018062.4(FANCL):c.378T>A (p.Leu126=)

Gene: FANCL (FA complementation group L; minus strand). Cytogenetic location: 2p16.1.
Variant type: single nucleotide variant.
Coding change: c.378T>A on transcript NM_018062.4 (MANE Select); coding-DNA position 378, T replaced by A.
Protein change: p.Leu126=; no amino-acid change (leucine 126 retained).
Molecular consequence: synonymous variant.
Genome position (GRCh38, 1-based): chr2:58,204,223, A>T on the plus strand (T>A on the coding strand, the complement: FANCL is on the minus strand). VCF-style: chr2-58204223-A-T. GRCh37 (hg19) VCF-style: chr2-58431358-A-T.
Other names: c.378T>A, p.Leu126= (NM_001114636.2, NM_001374615.1, NM_001410792.1).
Identifiers: ClinVar variation 837030 (VCV000837030.12), dbSNP rs746200741, ClinGen allele CA1670644.